The following is an entry in ClinVar:

ClinVar aggregate classification (germline): Uncertain significance (1 of 4 stars; one submission).

Submission:

Ambry Genetics
Classification: Uncertain significance. Last evaluated: 2023-08-30. Review status: criteria provided, single submitter. Criteria: Ambry Variant Classification Scheme 2023. Collection method: clinical testing. Allele origin: germline.
Comment: The p.E792D variant (also known as c.2376G>T), located in coding exon 15 of the POLQ gene, results from a G to T substitution at nucleotide position 2376. The glutamic acid at codon 792 is replaced by aspartic acid, an amino acid with highly similar properties. This amino acid position is conserved. In addition, this alteration is predicted to be tolerated by in silico analysis. Since supporting evidence is limited at this time, the clinical significance of this alteration remains unclear.

NM_199420.4(POLQ):c.2376G>T (p.Glu792Asp)

Gene: POLQ (DNA polymerase theta; minus strand). Cytogenetic location: 3q13.33.
Variant type: single nucleotide variant.
Coding change: c.2376G>T on transcript NM_199420.4 (MANE Select); coding-DNA position 2376, G replaced by T.
Protein change: p.Glu792Asp; replaces glutamic acid 792 with aspartic acid.
Molecular consequence: missense variant.
Genome position (GRCh38, 1-based): chr3:121,493,624, C>A on the plus strand (G>T on the coding strand, the complement: POLQ is on the minus strand). VCF-style: chr3-121493624-C-A. GRCh37 (hg19) VCF-style: chr3-121212471-C-A.
Other names: short protein forms E792D.
Identifiers: ClinVar variation 2625866 (VCV002625866.2), dbSNP rs2546790777, ClinGen allele CA354108009.